The following is an entry in ClinVar:

ClinVar aggregate classification (germline): Uncertain significance. Review status: criteria provided, multiple submitters, no conflicts (2 of 4 stars). 2 submissions from 2 submitters: Uncertain significance (2). Last evaluated 2025-09-28.

Conditions:
Immunodeficiency 35 (IMD35). Also called: Susceptibility to infection due to TYK2 deficiency; HIES WITH ATYPICAL MYCOBACTERIOSIS, AUTOSOMAL RECESSIVE; HYPER-IgE SYNDROME WITH ATYPICAL MYCOBACTERIOSIS, AUTOSOMAL RECESSIVE; TYK2 DEFICIENCY. Identifiers: Orphanet 331226, MedGen C1969086, MONDO:0012682, OMIM 611521.
Inborn genetic diseases. Identifiers: MedGen C0950123, MeSH D030342.

Allele frequency attached by ClinVar (database versions not stated): ExAC 0.00001; gnomAD 0.00001; gnomAD exomes 0.00001 and 0.00002; TOPMed 0.00002.
gnomAD v4.1: 19 of 1,611,628 alleles (0.0012%); highest among the groups gnomAD compares: Middle Eastern, 0.016%; no homozygotes.

Submissions (2):

Ambry Genetics
Classification: Uncertain significance for Inborn genetic diseases. Last evaluated: 2025-09-28. Review status: criteria provided, single submitter. Criteria: Ambry Variant Classification Scheme 2023. Collection method: clinical testing. Allele origin: germline.

Labcorp Genetics (formerly Invitae), Labcorp
Classification: Uncertain significance for Immunodeficiency 35. Last evaluated: 2022-03-19. Review status: criteria provided, single submitter. Criteria: Invitae Variant Classification Sherloc (09022015). Collection method: clinical testing. Allele origin: germline.
Comment: In summary, the available evidence is currently insufficient to determine the role of this variant in disease. Therefore, it has been classified as a Variant of Uncertain Significance. Algorithms developed to predict the effect of missense changes on protein structure and function are either unavailable or do not agree on the potential impact of this missense change (SIFT: "Not Available"; PolyPhen-2: "Probably Damaging"; Align-GVGD: "Not Available"). This sequence change replaces valine, which is neutral and non-polar, with methionine, which is neutral and non-polar, at codon 690 of the TYK2 protein (p.Val690Met). The frequency data for this variant in the population databases is considered unreliable, as metrics indicate poor data quality at this position in the gnomAD database. This variant has not been reported in the literature in individuals affected with TYK2-related conditions. ClinVar contains an entry for this variant (Variation ID: 1058950).

NM_003331.5(TYK2):c.2068G>A (p.Val690Met)

Gene: TYK2 (tyrosine kinase 2; minus strand). Cytogenetic location: 19p13.2.
Variant type: single nucleotide variant.
Coding change: c.2068G>A on transcript NM_003331.5 (MANE Select); coding-DNA position 2068, G replaced by A.
Protein change: p.Val690Met; replaces valine 690 with methionine.
Molecular consequence: missense variant.
Genome position (GRCh38, 1-based): chr19:10,359,282, C>T on the plus strand (G>A on the coding strand, the complement: TYK2 is on the minus strand). VCF-style: chr19-10359282-C-T. GRCh37 (hg19) VCF-style: chr19-10469958-C-T.
Other names: c.2068G>A (NM_003331.4); c.2068G>A, p.Val690Met (NM_001385197.1, NM_001385198.1, NM_001385200.1 and 2 more transcripts); c.1882G>A, p.Val628Met (NM_001385199.1); c.1870G>A, p.Val624Met (NM_001385201.1); c.1984G>A, p.Val662Met (NM_001385202.1); c.1978G>A, p.Val660Met (NM_001385205.1); c.1942G>A, p.Val648Met (NM_001385206.1); c.2050G>A, p.Val684Met (NM_001385207.1); short protein forms V624M, V628M, V648M, V660M, V662M, V684M, V690M.
Identifiers: ClinVar variation 1058950 (VCV001058950.7), dbSNP rs752724238, ClinGen allele CA9193186.
Genomic context (GRCh38, chr19:10,359,282, plus strand): 5'-AAGCCATGGGCACATGGCCCCGCTCCCTCCGCAGCCACACATCCAGGGGTCCGTGCTCCA[C>T]GTACTCTGTCACCATGATATCTGTAAAGACACAGCTGCTCTGGGGCAACCTGCCTGCTTC-3'
Protein context (NP_003322.3, residues 680-700): GPENIMVTEY[Val690Met]EHGPLDVWLR